The following is an entry in ClinVar:

ClinVar aggregate classification (germline): Conflicting classifications of pathogenicity. Review status: criteria provided, conflicting classifications (1 of 4 stars). 2 submissions from 2 submitters: Uncertain significance (1); Likely benign (1). Last evaluated 2024-12-20.

Conditions:
Hereditary cancer-predisposing syndrome. Also called: Neoplastic Syndromes, Hereditary; Hereditary Cancer Syndrome; Tumor predisposition; Hereditary neoplastic syndrome. Identifiers: Orphanet 140162, MedGen C0027672, MeSH D009386, MONDO:0015356.
Haddad syndrome (OHD). Also called: Ondine-Hirschsprung disease. Identifiers: Orphanet 99803, MedGen C1859049, MONDO:0020493.

gnomAD v4.1: 2 of 1,613,882 alleles (0.00012%); highest among the groups gnomAD compares: South Asian, 0.0011%; no homozygotes.

Submissions (2):

Ambry Genetics
Classification: Likely benign for Hereditary cancer-predisposing syndrome. Last evaluated: 2024-12-20. Review status: criteria provided, single submitter. Criteria: Ambry Variant Classification Scheme 2023. Collection method: clinical testing. Allele origin: germline.

Labcorp Genetics (formerly Invitae), Labcorp
Classification: Uncertain significance for Haddad syndrome. Last evaluated: 2021-12-12. Review status: criteria provided, single submitter. Criteria: Invitae Variant Classification Sherloc (09022015). Collection method: clinical testing. Allele origin: germline.
Comment: In summary, the available evidence is currently insufficient to determine the role of this variant in disease. Therefore, it has been classified as a Variant of Uncertain Significance. Algorithms developed to predict the effect of missense changes on protein structure and function are either unavailable or do not agree on the potential impact of this missense change (SIFT: "Deleterious"; PolyPhen-2: "Not Available"; Align-GVGD: "Class C0"). This variant has not been reported in the literature in individuals affected with PHOX2B-related conditions. This variant is not present in population databases (gnomAD no frequency). This sequence change replaces aspartic acid, which is acidic and polar, with asparagine, which is neutral and polar, at codon 182 of the PHOX2B protein (p.Asp182Asn).

NM_003924.4(PHOX2B):c.544G>A (p.Asp182Asn)

Gene: PHOX2B (paired like homeobox 2B; minus strand). Cytogenetic location: 4p13.
Variant type: single nucleotide variant.
Coding change: c.544G>A on transcript NM_003924.4 (MANE Select); coding-DNA position 544, G replaced by A.
Protein change: p.Asp182Asn; replaces aspartic acid 182 with asparagine.
Molecular consequence: missense variant.
Genome position (GRCh38, 1-based): chr4:41,746,208, C>T on the plus strand (G>A on the coding strand, the complement: PHOX2B is on the minus strand). VCF-style: chr4-41746208-C-T. GRCh37 (hg19) VCF-style: chr4-41748225-C-T.
Other names: short protein forms D182N.
Identifiers: ClinVar variation 1475509 (VCV001475509.9), dbSNP rs1462979811, ClinGen allele CA356738229.